The following is an entry in ClinVar:

ClinVar aggregate classification (germline): Uncertain significance (1 of 4 stars; one submission).

Submission:

GeneDx
Classification: Uncertain significance. Last evaluated: 2017-09-18. Review status: criteria provided, single submitter. Criteria: GeneDx Variant Classification (06012015). Collection method: clinical testing. Allele origin: germline. Affected: yes.
Comment: A variant of uncertain significance has been identified in the COL3A1 gene. The R1363P variant has not been published as pathogenic or been reported as benign to our knowledge. The R1363P variant is not observed in large population cohorts (Lek et al., 2016). The R1363P variant is a non-conservative amino acid substitution, which is likely to impact secondary protein structure as these residues differ in polarity, charge, size and/or other properties. This substitution occurs at a position that is conserved in mammals and in silico analysis predicts this variant is probably damaging to the protein structure/function. Nevertheless, no missense variants in nearby residues have been reported in the Human Gene Mutation Database in association with vEDS (Stenson et al., 2014). Moreover, the R1363P variant does not affect a Glycine residue in a Gly-X-Y motif in the triple helical region of the COL3A1 gene, where the majority of pathogenic missense variants occur (Stenson et al., 2014; Symoens et al., 2012).

NM_000090.4(COL3A1):c.4088G>C (p.Arg1363Pro)

Gene: COL3A1 (collagen type III alpha 1 chain; plus strand). Cytogenetic location: 2q32.2.
Variant type: single nucleotide variant.
Coding change: c.4088G>C on transcript NM_000090.4 (MANE Select); coding-DNA position 4088, G replaced by C.
Protein change: p.Arg1363Pro; replaces arginine 1363 with proline.
Molecular consequence: missense variant.
Genome position (GRCh38, 1-based): chr2:189,010,724, G>C. VCF-style: chr2-189010724-G-C. GRCh37 (hg19) VCF-style: chr2-189875450-G-C.
Other names: short protein forms R1363P.
Identifiers: ClinVar variation 452191 (VCV000452191.2), dbSNP rs1227282800, ClinGen allele CA349849358.